The following is an entry in ClinVar:

NM_001267550.2(TTN):c.40956A>G (p.Ile13652Met)

Gene: TTN (titin; minus strand). Cytogenetic location: 2q31.2.
Variant type: single nucleotide variant.
Coding change: c.40956A>G on transcript NM_001267550.2 (MANE Select); coding-DNA position 40956, A replaced by G.
Protein change: p.Ile13652Met; replaces isoleucine 13652 with methionine.
Molecular consequence: missense variant.
Genome position (GRCh38, 1-based): chr2:178,636,771, T>C on the plus strand (A>G on the coding strand, the complement: TTN is on the minus strand). VCF-style: chr2-178636771-T-C. GRCh37 (hg19) VCF-style: chr2-179501498-T-C.
Other names: c.33252A>G, p.Ile11084Met (NM_133378.4); c.36033A>G, p.Ile12011Met (NM_001256850.1); c.13761A>G, p.Ile4587Met (NM_003319.4); c.14136A>G, p.Ile4712Met (NM_133432.3); c.14337A>G, p.Ile4779Met (NM_133437.4); short protein forms I13652M, I11084M, I4779M, I12011M, I4587M, I4712M.
Identifiers: ClinVar variation 46941 (VCV000046941.5), dbSNP rs397517562, ClinGen allele CA139585.

ClinVar aggregate classification (germline): Uncertain significance (1 of 4 stars; one submission).

Allele frequency attached by ClinVar (database versions not stated): gnomAD exomes below 0.00001.
gnomAD v4.1: 5 of 1,604,442 alleles (0.00031%); highest among the groups gnomAD compares: South Asian, 0.0056%; no homozygotes.

Submission:

Laboratory for Molecular Medicine, Mass General Brigham Personalized Medicine
Classification: Uncertain significance. Last evaluated: 2012-05-17. Review status: criteria provided, single submitter. Criteria: LMM Criteria. Collection method: clinical testing. Allele origin: germline. Observed: 1 variant allele.
Comment: Variant classified as Uncertain Significance - Favor Benign. The Ile11084Met var iant in TTN has not been reported in the literature nor previously identified by our laboratory. This variant has also not been detected in 2 very large and bro ad populations (European and African American) sequenced by the NHLBI (s.). Isoleucine (Ile) at position 11084 is not well conserv ed in evolution, suggesting that a change may be tolerated. Other computational analyses (biochemical amino acid properties, AlignGVGD, PolyPhen2, and SIFT) do not provide strong support for or against an impact to the protein. Additional information is needed to fully assess the clinical significance of the Ile11084M et variant.